The following is an entry in ClinVar:

NM_001267550.2(TTN):c.13262A>G (p.Asn4421Ser)

Gene: TTN (titin; minus strand). Cytogenetic location: 2q31.2.
Variant type: single nucleotide variant.
Coding change: c.13262A>G on transcript NM_001267550.2 (MANE Select); coding-DNA position 13262, A replaced by G.
Protein change: p.Asn4421Ser; replaces asparagine 4421 with serine.
Molecular consequence: missense variant. On other transcripts: intron variant (1).
Genome position (GRCh38, 1-based): chr2:178,739,971, T>C on the plus strand (A>G on the coding strand, the complement: TTN is on the minus strand). VCF-style: chr2-178739971-T-C. GRCh37 (hg19) VCF-style: chr2-179604698-T-C.
Other names: c.12311A>G, p.Asn4104Ser (NM_001256850.1); c.12173A>G, p.Asn4058Ser (NM_003319.4); c.12548A>G, p.Asn4183Ser (NM_133432.3); c.12749A>G, p.Asn4250Ser (NM_133437.4); c.10361-1611A>G (NM_133378.4); c.13262A>G (NM_001267550.1); short protein forms N4421S, N4104S, N4058S, N4250S, N4183S.
Identifiers: ClinVar variation 283986 (VCV000283986.64), dbSNP rs72648922, ClinGen allele CA2002605.
Genomic context (GRCh38, chr2:178,739,971, plus strand): 5'-CACATGATGTGTCTGGGCTCTTGGGTGATGTTTACAGCCTCGACCTCCACCTTTTCAATA[T>C]TTCTTAGCCACTCAGAGAAAAGACCTGGCTGCTCGCTGGCCACGGCTGCTTGCAAAGCCC-3'
Protein context (NP_001254479.2, residues 4411-4431): QPGLFSEWLR[Asn4421Ser]IEKVEVEAVN

ClinVar aggregate classification (germline): Conflicting classifications of pathogenicity. Review status: criteria provided, conflicting classifications (1 of 4 stars). 12 submissions from 12 submitters: Uncertain significance (6); Likely benign (5). 1 of the submissions does not count toward it. Last evaluated 2026-06-16.

Conditions:
TTN-related disorder. Also called: TTN-related disorders; TTN-related condition; TTN-related disease.
Cardiovascular phenotype. Identifiers: MedGen CN230736.
Autosomal recessive limb-girdle muscular dystrophy type 2J (LGMDR10). Also called: Limb-girdle muscular dystrophy, type 2J; MUSCULAR DYSTROPHY, LIMB-GIRDLE, AUTOSOMAL RECESSIVE 10. Identifiers: Orphanet 140922, MedGen C1837342, MONDO:0012127, OMIM 608807.
Dilated cardiomyopathy 1G (CMD1G). Identifiers: Orphanet 154, MedGen C1858763, MONDO:0011400, OMIM 604145.
Cardiomyopathy (CMYO). Also called: Cardiomyopathies. Identifiers: Orphanet 167848, MedGen C0878544, MONDO:0004994, HP:0001638. Inheritance: Various modes of inheritance.
Tip-toe gait. Also called: Toe walking. Identifiers: MedGen C0427144, HP:0030051.

Allele frequency attached by ClinVar (database versions not stated): ExAC 0.00009; gnomAD exomes 0.00015 and 0.00016; gnomAD 0.00018 and 0.00020; TOPMed 0.00018.
gnomAD v4.1: 262 of 1,613,784 alleles (0.016%); highest among the groups gnomAD compares: Non-Finnish European, 0.021%; no homozygotes.

Submissions (12):

PreventionGenetics, part of Exact Sciences
Classification: Uncertain significance for TTN-related condition. Last evaluated: 2026-06-16. Review status: criteria provided, single submitter. Criteria: ACMG Guidelines, 2015. Collection method: clinical testing. Allele origin: germline.
Comment: The TTN c.13262A>G variant is predicted to result in the amino acid substitution p.Asn4421Ser. This variant has been reported in the compound heterozygous state in an individual with muscle weakness and dilated cardiomyopathy. However, this variant was not found in other affected family members (Gohlke et al. 2024. PubMed ID: 39277846). This variant is reported in 0.027% of alleles in individuals of European (Non-Finnish) descent in gnomAD. Although we suspect that this variant may be benign, at this time, the clinical significance of this variant is uncertain due to the absence of conclusive functional and genetic evidence.

CeGaT Center for Human Genetics Tuebingen
Classification: Uncertain significance. Last evaluated: 2025-11-01. Review status: criteria provided, single submitter. Criteria: CeGaT Center For Human Genetics Tuebingen Variant Classification Criteria Version 2. Collection method: clinical testing. Allele origin: germline. Affected: yes. Observed: 3 variant alleles.
Comment: TTN: PM2, BP4

Molecular Diagnostic Laboratory for Inherited Cardiovascular Disease, Montreal Heart Institute
Classification: Likely benign. Last evaluated: 2025-04-09. Review status: criteria provided, single submitter. Criteria: ACMG Guidelines, 2015. Collection method: clinical testing. Allele origin: germline. Affected: no.
Comment: BP1

ARUP Laboratories, Molecular Genetics and Genomics, ARUP Laboratories
Classification: Uncertain significance. Last evaluated: 2024-12-09. Review status: criteria provided, single submitter. Criteria: ARUP Molecular Germline Variant Investigation Process 2024. Collection method: clinical testing. Allele origin: germline.
Comment: The TTN c.13262A>G; p.Asn4421Ser variant (rs72648922; ClinVar Variation ID: 283986) is rare in the general population (<0.2% allele frequency in the Genome Aggregation Database and has not been reported in the medical literature in association with dilated cardiomyopathy (DCM) or other TTN-related disease. The clinical relevance of rare missense variants in this gene, which are identified on average once per individual sequenced in affected populations (Herman 2012), is not well understood. Yet, evidence suggests that the vast majority of such missense variants do not contribute to the clinical outcome of DCM (Begay 2015). Thus, the clinical significance of the p.Asn4421Ser variant cannot be determined with certainty. References: Begay RL et al. Role of Titin Missense Variants in Dilated Cardiomyopathy. J Am Heart Assoc. 2015 Nov 13;4(11). PMID: 26567375. Herman DS et al. Truncations of titin causing dilated cardiomyopathy. N Engl J Med. 2012 Feb 16;366(7):619-28. PMID: 22335739. Linke WA and Hamdani N. Gigantic business: titin properties and function through thick and thin. Circ Res 2014; 114(6): 1052-1068. PMID: 24625729.

Blueprint Genetics
Classification: Likely benign. Last evaluated: 2024-11-08. Review status: criteria provided, single submitter. Criteria: ACMG Guidelines, 2015. Collection method: clinical testing. Allele origin: germline.

CHEO Genetics Diagnostic Laboratory, Children's Hospital of Eastern Ontario
Classification: Likely benign for Cardiomyopathy. Last evaluated: 2022-10-03. Review status: criteria provided, single submitter. Criteria: ACMG Guidelines, 2015. Collection method: clinical testing. Allele origin: germline.

GeneDx
Classification: Likely benign. Last evaluated: 2021-04-08. Review status: criteria provided, single submitter. Criteria: GeneDx Variant Classification Process June 2021. Collection method: clinical testing. Allele origin: germline. Affected: yes.

Athena Diagnostics
Classification: Uncertain significance. Last evaluated: 2021-02-15. Review status: criteria provided, single submitter. Criteria: Athena Diagnostics criteria. Collection method: clinical testing. Allele origin: unknown.

Ambry Genetics
Classification: Likely benign for Cardiovascular phenotype. Last evaluated: 2020-05-22. Review status: criteria provided, single submitter. Criteria: Ambry Variant Classification Scheme 2023. Collection method: clinical testing. Allele origin: germline.

Labcorp Genetics (formerly Invitae), Labcorp
Classification: Uncertain significance for Dilated cardiomyopathy 1G; Autosomal recessive limb-girdle muscular dystrophy type 2J. Last evaluated: 2017-11-02. Review status: criteria provided, single submitter. Criteria: Invitae Variant Classification Sherloc (09022015). Collection method: clinical testing. Allele origin: germline.

Eurofins Ntd Llc (ga)
Classification: Uncertain significance. Last evaluated: 2015-10-21. Review status: criteria provided, single submitter. Criteria: EGL Classification Definitions 2015. Collection method: clinical testing. Allele origin: germline. Observed: 2 variant alleles, 2 heterozygotes.

Practice for Gait Abnormalities, David Pomarino, Competency Network Toe Walking C/o Practice Pomarino
Classification: Likely pathogenic for Tip-toe gait. Last evaluated: 2021-11-08. Review status: no assertion criteria provided. Collection method: clinical testing. Allele origin: germline. Affected: yes. Not counted in ClinVar's aggregate classification.
Comment: Myopathy refers to diseases that affect skeletal Muscles. These diseases attack muscle fibers, making muscles weak. Inherited myopathies are often caused by inheriting an abnormal gene mutation from a parent that causes the disease. Symptoms of congenital myopathies usually start at birth or in early childhood, but may not appear until the teen years or even later in adulthood. Congenital myopathies are somewhat unique compared with other inherited myopathies, as weakness typically affects all muscles and is often not progressive. Symptoms are: Muscle weakness, most commonly of upper arms and shoulders and thighs, muscle cramps, stiffness and spasms, fatigue with exertion and lack of energy. Our patients all walk on tiptoe, so they show similar symptoms. When we genetically test them with our toe walking panel, we find that around 90 per cent of them have a genetic variant that explains their toe walking. These can be assigned, for example, to the area of myopathies (such as variants of the COL6A3 gene), the area of hereditary neuropathies (such as variants of the KMT2C gene) or the area of metabolic diseases (such as variants of the PYGM gene). In a smaller group of patients with almost identical symptoms, no abnormality is found in the genes of our panel, but spastic paraplegia can be detected. In another small group of our toe walkers, no abnormalities can be detected in the genes analysed in our toe walking panel, nor do they suffer from spastic paraplegia, as is also the case with healthy children. In contrast to these, however, they show a tiptoe gait. These patients suffer from infantile cerebral palsy, in which toe walking can also be observed.

Literature cited by the submitters: PubMed 37091313 (cited by Practice for Gait Abnormalities, David Pomarino, Competency Network Toe Walking C/o Practice Pomarino).